The following is an entry in ClinVar:

NM_003356.4(UCP3):c.355C>T (p.Arg119Trp)

Gene: UCP3 (uncoupling protein 3; minus strand). Cytogenetic location: 11q13.4.
Variant type: single nucleotide variant.
Coding change: c.355C>T on transcript NM_003356.4 (MANE Select); coding-DNA position 355, C replaced by T.
Protein change: p.Arg119Trp; replaces arginine 119 with tryptophan.
Molecular consequence: missense variant.
Genome position (GRCh38, 1-based): chr11:74,005,916, G>A on the plus strand (C>T on the coding strand, the complement: UCP3 is on the minus strand). VCF-style: chr11-74005916-G-A. GRCh37 (hg19) VCF-style: chr11-73716961-G-A.
Other names: c.355C>T, p.Arg119Trp (NM_022803.3); short protein forms R119W.
Identifiers: ClinVar variation 3351552 (VCV003351552.2).
Genomic context (GRCh38, chr11:74,005,916, plus strand): 5'-CATCTGTGGGCTGGGCACAGGTCACCGCCATGGCTCCTGTGGTGCAGCCGGCCAAAATCC[G>A]GGTAGTGAGGCTGGAGTCTGGGAGGGGCAGAGAGAGTGGGCCAGTGTCCCCTACTAAGCA-3'
Protein context (NP_003347.1, residues 109-129): KGADNSSLTT[Arg119Trp]ILAGCTTGAM

ClinVar aggregate classification (germline): Uncertain significance (1 of 4 stars; one submission).

Conditions:
UCP3-related disorder. Also called: UCP3-related condition.

Submission:

PreventionGenetics, part of Exact Sciences
Classification: Uncertain significance for UCP3-related condition. Last evaluated: 2025-07-24. Review status: criteria provided, single submitter. Criteria: ACMG Guidelines, 2015. Collection method: clinical testing. Allele origin: germline.
Comment: The UCP3 c.355C>T variant is predicted to result in the amino acid substitution p.Arg119Trp. To our knowledge, this variant has not been reported in the literature. This variant is reported in 0.0085% of alleles in individuals of Latino descent in gnomAD. At this time, the clinical significance of this variant is uncertain due to the absence of conclusive functional and genetic evidence.